The following is an entry in ClinVar:

ClinVar aggregate classification (germline): Likely pathogenic (1 of 4 stars; one submission).

Submission:

Quest Diagnostics Nichols Institute San Juan Capistrano
Classification: Likely pathogenic. Last evaluated: 2024-06-30. Review status: criteria provided, single submitter. Criteria: ACMG/ClinGen CNV Guidelines, 2019. Collection method: clinical testing. Allele origin: unknown.
Comment: This copy number gain involves two exons (NM_015335.5) of an intragenic portion of MED13L (OMIM 608771). De novo intragenic, frameshift duplications have been reported in several patients who present with features characteristic of the disorder associated with loss of MED13L (OMIM 616789; Adegbola 2015, Asadollahi 2013, Firth 2009). There are no similar copy number gains of this region in the general populations of the Database of Genomic Variants. Thus, this CNV is classified as likely pathogenic. References: Adegbola et al., Eur J Hum Genet. 2015 Oct;23(10):1308-17. PMID: 25758992; Asadollahi et al., Eur J Hum Genet. 2013 Oct;21(10):1100-4. PMID: 23403903; Firth et al., Am J Hum Genet. 2009 Apr;84(4):524-33. PMID: 19344873

GRCh37/hg19 12q24.21(chr12:116481670-116648914)x3

Gene: MED13L (mediator complex subunit 13L; minus strand). Cytogenetic location: 12q24.21.
Variant type: copy number gain.
Change: copy number 3 (three copies instead of two) of chr12:116,481,670-116,648,914 (167.2 kb, GRCh37 coordinates, 1-based), cytogenetic band 12q24.21.
Identifiers: ClinVar variation 3391823 (VCV003391823.1).